The following is an entry in ClinVar:

NM_003906.5(MCM3AP):c.4101G>A (p.Pro1367=)

Gene: MCM3AP (minichromosome maintenance complex component 3 associated protein; minus strand). Cytogenetic location: 21q22.3.
Variant type: single nucleotide variant.
Coding change: c.4101G>A on transcript NM_003906.5 (MANE Select); coding-DNA position 4101, G replaced by A.
Protein change: p.Pro1367=; no amino-acid change (proline 1367 retained).
Molecular consequence: synonymous variant.
Genome position (GRCh38, 1-based): chr21:46,254,427, C>T on the plus strand (G>A on the coding strand, the complement: MCM3AP is on the minus strand). VCF-style: chr21-46254427-C-T. GRCh37 (hg19) VCF-style: chr21-47674341-C-T.
Identifiers: ClinVar variation 2055866 (VCV002055866.29), dbSNP rs769437831, ClinGen allele CA10076251.

ClinVar aggregate classification (germline): Likely benign. Review status: criteria provided, multiple submitters, no conflicts (2 of 4 stars). 3 submissions from 3 submitters: Likely benign (3). Last evaluated 2025-09-01.

Allele frequency attached by ClinVar (database versions not stated): gnomAD exomes 0.00003; ExAC 0.00004; gnomAD 0.00005; TOPMed 0.00007.
gnomAD v4.1: 47 of 1,614,072 alleles (0.0029%); highest among the groups gnomAD compares: Middle Eastern, 0.033%; no homozygotes.

Submissions (3):

CeGaT Center for Human Genetics Tuebingen
Classification: Likely benign. Last evaluated: 2025-09-01. Review status: criteria provided, single submitter. Criteria: CeGaT Center For Human Genetics Tuebingen Variant Classification Criteria Version 2. Collection method: clinical testing. Allele origin: germline. Affected: yes. Observed: 2 variant alleles.
Comment: MCM3AP: BP4, BP7

Labcorp Genetics (formerly Invitae), Labcorp
Classification: Likely benign. Last evaluated: 2025-08-05. Review status: criteria provided, single submitter. Criteria: Invitae Variant Classification Sherloc (09022015). Collection method: clinical testing. Allele origin: germline.

Breakthrough Genomics
Classification: Likely benign. Review status: criteria provided, single submitter. Criteria: ACMG Guidelines, 2015. Collection method: not provided. Allele origin: germline. Inheritance: Autosomal recessive inheritance. Affected: yes.